The following is an entry in ClinVar:

ClinVar aggregate classification (germline): Uncertain significance. Review status: criteria provided, multiple submitters, no conflicts (2 of 4 stars). 2 submissions from 2 submitters: Uncertain significance (2). Last evaluated 2022-05-19.

Allele frequency attached by ClinVar (database versions not stated): ExAC 0.00001; gnomAD 0.00001; TOPMed 0.00001.
gnomAD v4.1: 25 of 1,614,002 alleles (0.0015%); highest among the groups gnomAD compares: South Asian, 0.0022%; no homozygotes.

Submissions (2):

Labcorp Genetics (formerly Invitae), Labcorp
Classification: Uncertain significance. Last evaluated: 2022-05-19. Review status: criteria provided, single submitter. Criteria: Invitae Variant Classification Sherloc (09022015). Collection method: clinical testing. Allele origin: germline.
Comment: In summary, the available evidence is currently insufficient to determine the role of this variant in disease. Therefore, it has been classified as a Variant of Uncertain Significance. Algorithms developed to predict the effect of missense changes on protein structure and function are either unavailable or do not agree on the potential impact of this missense change (SIFT: "Deleterious"; PolyPhen-2: "Probably Damaging"; Align-GVGD: "Class C15"). This variant has not been reported in the literature in individuals affected with WHRN-related conditions. This variant is present in population databases (rs753379063, gnomAD 0.003%). This sequence change replaces valine, which is neutral and non-polar, with methionine, which is neutral and non-polar, at codon 309 of the WHRN protein (p.Val309Met).

Mayo Clinic Laboratories, Mayo Clinic
Classification: Uncertain significance. Last evaluated: 2022-01-19. Review status: criteria provided, single submitter. Criteria: ACMG Guidelines, 2015. Collection method: clinical testing. Allele origin: germline. Observed: 1 variant allele.
Comment: PM2

NM_015404.4(WHRN):c.925G>A (p.Val309Met)

Gene: WHRN (whirlin; minus strand). Cytogenetic location: 9q32.
Variant type: single nucleotide variant.
Coding change: c.925G>A on transcript NM_015404.4 (MANE Select); coding-DNA position 925, G replaced by A.
Protein change: p.Val309Met; replaces valine 309 with methionine.
Molecular consequence: missense variant. On other transcripts: 5 prime UTR variant (1).
Genome position (GRCh38, 1-based): chr9:114,466,305, C>T on the plus strand (G>A on the coding strand, the complement: WHRN is on the minus strand). VCF-style: chr9-114466305-C-T. GRCh37 (hg19) VCF-style: chr9-117228585-C-T.
Other names: p.Val309Met; c.-225G>A (NM_001083885.3); c.925G>A, p.Val309Met (NM_001173425.2); c.925G>A (NM_015404.3); short protein forms V309M.
Identifiers: ClinVar variation 1897378 (VCV001897378.5), dbSNP rs753379063, ClinGen allele CA5206124.
Genomic context (GRCh38, chr9:114,466,305, plus strand): 5'-CCTCCCTCAGGCCCTCCCTCACCTTGAGCCCGCTGCCTTCTGCTTCAGAGCCTGGGTCCA[C>T]GCCAGTGATGTAAATGCCAAGGCCGTACTCAGCTCCCCCACGGATCGTGAGGCCCAGGGA-3'
Protein context (NP_056219.3, residues 299-319): EYGLGIYITG[Val309Met]DPGSEAEGSG